The following is an entry in ClinVar:

NM_000921.5(PDE3A):c.1512T>A (p.His504Gln)

Gene: PDE3A (phosphodiesterase 3A; plus strand). Cytogenetic location: 12p12.2.
Variant type: single nucleotide variant.
Coding change: c.1512T>A on transcript NM_000921.5 (MANE Select); coding-DNA position 1512, T replaced by A.
Protein change: p.His504Gln; replaces histidine 504 with glutamine.
Molecular consequence: missense variant.
Genome position (GRCh38, 1-based): chr12:20,621,383, T>A. VCF-style: chr12-20621383-T-A. GRCh37 (hg19) VCF-style: chr12-20774317-T-A.
Other names: c.546T>A, p.His182Gln (NM_001244683.2, NM_001378409.1); c.1512T>A, p.His504Gln (NM_001378407.1); c.549T>A, p.His183Gln (NM_001378408.1); c.1512T>A (NM_000921.4); short protein forms H182Q, H183Q, H504Q.
Identifiers: ClinVar variation 1601763 (VCV001601763.10), dbSNP rs116851432, ClinGen allele CA6473757.

ClinVar aggregate classification (germline): Benign. Review status: criteria provided, single submitter (1 of 4 stars). 2 submissions from 2 submitters: Benign (1). 1 of the submissions does not count toward it. Last evaluated 2024-04-10.

Conditions:
PDE3A-related disorder. Also called: PDE3A-related condition.

Allele frequency attached by ClinVar (database versions not stated): 1000 Genomes Project 30x 0.00078; 1000 Genomes Project 0.00100.
gnomAD v4.1: 458 of 1,610,870 alleles (0.028%); highest among the groups gnomAD compares: East Asian, 1%; 3 homozygotes.

Submissions (2):

Labcorp Genetics (formerly Invitae), Labcorp
Classification: Benign. Last evaluated: 2024-04-10. Review status: criteria provided, single submitter. Criteria: Invitae Variant Classification Sherloc (09022015). Collection method: clinical testing. Allele origin: germline.

PreventionGenetics, part of Exact Sciences
Classification: Likely benign for PDE3A-related condition. Last evaluated: 2019-10-03. Review status: no assertion criteria provided. Collection method: clinical testing. Allele origin: germline. Not counted in ClinVar's aggregate classification.
Comment: This variant is classified as likely benign based on ACMG/AMP sequence variant interpretation guidelines (Richards et al. 2015 PMID: 25741868, with internal and published modifications).